The following is an entry in ClinVar:

NM_015910.7(WDPCP):c.1181T>C (p.Val394Ala)

Gene: WDPCP (WD repeat containing planar cell polarity effector; minus strand). Cytogenetic location: 2p15.
Variant type: single nucleotide variant.
Coding change: c.1181T>C on transcript NM_015910.7 (MANE Select); coding-DNA position 1181, T replaced by C.
Protein change: p.Val394Ala; replaces valine 394 with alanine.
Molecular consequence: missense variant. On other transcripts: non-coding transcript variant (3).
Genome position (GRCh38, 1-based): chr2:63,404,302, A>G on the plus strand (T>C on the coding strand, the complement: WDPCP is on the minus strand). VCF-style: chr2-63404302-A-G. GRCh37 (hg19) VCF-style: chr2-63631437-A-G.
Other names: c.704T>C, p.Val235Ala (NM_001042692.3); c.1109T>C, p.Val370Ala (NM_001354044.2); c.1181T>C, p.Val394Ala (NM_001354045.2); short protein forms V235A, V370A, V394A.
Identifiers: ClinVar variation 2146983 (VCV002146983.1), dbSNP rs758359220, ClinGen allele CA1682276.
Genomic context (GRCh38, chr2:63,404,302, plus strand): 5'-TGGATGTTAATAGGGGATAGAGCCATATCAAAAATTTGCAACTCCCCTTGGTTGCTGCCA[A>G]CTAGCAGAATGGCACCACTTGGGTGGCAGCTTATTAATGAAGGCAAAAGTTCAGTCTGTG-3'
Protein context (NP_056994.3, residues 384-404): SCHPSGAILL[Val394Ala]GSNQGELQIF

ClinVar aggregate classification (germline): Uncertain significance (1 of 4 stars; one submission).

Conditions:
Bardet-Biedl syndrome (BBS). Identifiers: Orphanet 110, MedGen C0752166, MONDO:0015229.

Allele frequency attached by ClinVar (database versions not stated): gnomAD exomes 0.00001; TOPMed 0.00002; gnomAD 0.00003.
gnomAD v4.1: 14 of 1,614,036 alleles (0.00087%); highest among the groups gnomAD compares: African/African-American, 0.008%; no homozygotes.

Submission:

Labcorp Genetics (formerly Invitae), Labcorp
Classification: Uncertain significance for Bardet-Biedl syndrome. Last evaluated: 2022-03-04. Review status: criteria provided, single submitter. Criteria: Invitae Variant Classification Sherloc (09022015). Collection method: clinical testing. Allele origin: germline.
Comment: This sequence change replaces valine, which is neutral and non-polar, with alanine, which is neutral and non-polar, at codon 394 of the WDPCP protein (p.Val394Ala). This variant is present in population databases (rs758359220, gnomAD 0.02%). This variant has not been reported in the literature in individuals affected with WDPCP-related conditions. Algorithms developed to predict the effect of missense changes on protein structure and function output the following: SIFT: "Deleterious"; PolyPhen-2: "Benign"; Align-GVGD: "Class C55". The alanine amino acid residue is found in multiple mammalian species, which suggests that this missense change does not adversely affect protein function. In summary, the available evidence is currently insufficient to determine the role of this variant in disease. Therefore, it has been classified as a Variant of Uncertain Significance.